The following is an entry in ClinVar:

ClinVar aggregate classification (germline): Uncertain significance (0 of 4 stars; one submission).

Conditions:
SEMA3F-related disorder. Also called: SEMA3F-related condition.

gnomAD v4.1: 6 of 1,599,414 alleles (0.00038%); highest among the groups gnomAD compares: South Asian, 0.0022%; no homozygotes.

Submission:

PreventionGenetics, part of Exact Sciences
Classification: Uncertain significance for SEMA3F-related condition. Last evaluated: 2024-03-30. Review status: no assertion criteria provided. Collection method: clinical testing. Allele origin: germline.
Comment: The SEMA3F c.1940G>A variant is predicted to result in the amino acid substitution p.Arg647His. To our knowledge, this variant has not been reported in the literature. This variant is reported in 0.00090% of alleles in individuals of European (Non-Finnish) descent in gnomAD. At this time, the clinical significance of this variant is uncertain due to the absence of conclusive functional and genetic evidence.

NM_004186.5(SEMA3F):c.1940G>A (p.Arg647His)

Gene: SEMA3F (semaphorin 3F; plus strand). Cytogenetic location: 3p21.31.
Variant type: single nucleotide variant.
Coding change: c.1940G>A on transcript NM_004186.5 (MANE Select); coding-DNA position 1940, G replaced by A.
Protein change: p.Arg647His; replaces arginine 647 with histidine.
Molecular consequence: missense variant.
Genome position (GRCh38, 1-based): chr3:50,186,739, G>A. VCF-style: chr3-50186739-G-A. GRCh37 (hg19) VCF-style: chr3-50224172-G-A.
Other names: c.1643G>A, p.Arg548His (NM_001318798.2); c.1847G>A, p.Arg616His (NM_001318800.2); short protein forms R548H, R616H, R647H.
Identifiers: ClinVar variation 3344473 (VCV003344473.1).